The following is an entry in ClinVar:

ClinVar aggregate classification (germline): Pathogenic (1 of 4 stars; one submission).

Conditions:
Alstrom syndrome (ALMS). Identifiers: Orphanet 64, MedGen C0268425, MONDO:0008763, OMIM 203800.

Submission:

Labcorp Genetics (formerly Invitae), Labcorp
Classification: Pathogenic for Alstrom syndrome. Last evaluated: 2024-02-29. Review status: criteria provided, single submitter. Criteria: Invitae Variant Classification Sherloc (09022015). Collection method: clinical testing. Allele origin: germline.
Comment: This sequence change creates a premature translational stop signal (p.Gly2792Valfs*22) in the ALMS1 gene. It is expected to result in an absent or disrupted protein product. Loss-of-function variants in ALMS1 are known to be pathogenic (PMID: 17594715). This variant is not present in population databases (gnomAD no frequency). This premature translational stop signal has been observed in individual(s) with Alström syndrome (PMID: 35211159). For these reasons, this variant has been classified as Pathogenic.

Literature cited by the submitters: PubMed 17594715; PubMed 35211159.

NM_001378454.1(ALMS1):c.8372del (p.Gly2791fs)

Gene: ALMS1 (ALMS1 centrosome and basal body associated protein; plus strand). Cytogenetic location: 2p13.1.
Variant type: Deletion.
Coding change: c.8372del on transcript NM_001378454.1 (MANE Select); coding-DNA position 8372, one base deleted (G; older notation c.8372delG).
Protein change: p.Gly2791fs; shifts the reading frame from glycine 2791.
Molecular consequence: frameshift variant.
Genome position (GRCh38, 1-based): chr2:73,490,331, G deleted; the last of 2 consecutive G bases (chr2:73,490,330-73,490,331); deleting either gives the same sequence. VCF-style (leftmost placement, unchanged base first): chr2-73490329-AG-A. GRCh37 (hg19) VCF-style: chr2-73717456-AG-A.
Other names: c.8375del, p.Gly2792fs (NM_015120.4); short protein forms G2791fs, G2792fs.
Identifiers: ClinVar variation 3640039 (VCV003640039.2).
Genomic context (GRCh38, chr2:73,490,329, plus strand): 5'-CCCTTCATCATTTAAAATGCATAGTAATTCACAAGATAAAGAAGTGACTATTTTAGCAGA[AG>A]GTAGAAGGCAAAGCCAAAAATTACCTGTTGATTTTGAGCGTTCTTTTCAAGAAGAAAAAC-3'